The following is an entry in ClinVar:

NM_001003699.4(RREB1):c.2343C>T (p.Gly781=)

Gene: RREB1 (ras responsive element binding protein 1; plus strand). Cytogenetic location: 6p24.3.
Variant type: single nucleotide variant.
Coding change: c.2343C>T on transcript NM_001003699.4 (MANE Select); coding-DNA position 2343, C replaced by T.
Protein change: p.Gly781=; no amino-acid change (glycine 781 retained).
Molecular consequence: synonymous variant.
Genome position (GRCh38, 1-based): chr6:7,230,442, C>T. VCF-style: chr6-7230442-C-T. GRCh37 (hg19) VCF-style: chr6-7230675-C-T.
Other names: NC_000006.11:g.7230675C>T; c.2343C>T, p.Gly781= (NM_001003698.4, NM_001003700.2, NM_001168344.2).
Identifiers: ClinVar variation 776107 (VCV000776107.8), dbSNP rs45519731, ClinGen allele CA3625785.
Genomic context (GRCh38, chr6:7,230,442, plus strand): 5'-CCTCAAGCACTATCGTGCCCTGCGCATCCACATGCGCACGCACTGCGGCCGCGGCCTGGG[C>T]GGGGGCCACAAGGGCCGCAAGCCCTTCGAGTGCAAGGAGTGCAGCGCCGCGTTCGCGGCC-3'
Protein context (NP_001003699.1, residues 771-791): HMRTHCGRGL[Gly781=]GGHKGRKPFE

ClinVar aggregate classification (germline): Benign. Review status: criteria provided, multiple submitters, no conflicts (2 of 4 stars). 3 submissions from 3 submitters: Benign (2). 1 of the submissions does not count toward it. Last evaluated 2026-05-11.

Conditions:
RREB1-related disorder. Also called: RREB1-related condition.

Allele frequency attached by ClinVar (database versions not stated): ESP Exome Variant Server 0.01724; ExAC 0.00513; gnomAD 0.01812 and 0.01937; 1000 Genomes Project 0.02177; gnomAD exomes 0.00445; 1000 Genomes Project 30x 0.02452; TOPMed 0.02079.
gnomAD v4.1: 5,746 of 1,591,604 alleles (0.36%); highest among the groups gnomAD compares: African/African-American, 6.3%; 159 homozygotes.

Submissions (4):

Women's Health and Genetics/Laboratory Corporation of America, LabCorp
Classification: Benign. Last evaluated: 2026-05-11. Review status: criteria provided, single submitter. Criteria: LabCorp Variant Classification Summary - May 2015. Collection method: clinical testing. Allele origin: germline.

Labcorp Genetics (formerly Invitae), Labcorp
Classification: Benign. Last evaluated: 2019-12-31. Review status: criteria provided, single submitter. Criteria: Invitae Variant Classification Sherloc (09022015). Collection method: clinical testing. Allele origin: germline.

PreventionGenetics, part of Exact Sciences
Classification: Benign for RREB1-related condition. Last evaluated: 2019-03-14. Review status: no assertion criteria provided. Collection method: clinical testing. Allele origin: germline. Not counted in ClinVar's aggregate classification.
Comment: This variant is classified as benign based on ACMG/AMP sequence variant interpretation guidelines (Richards et al. 2015 PMID: 25741868, with internal and published modifications).

Dr. Peter K. Rogan Lab, Western University
No classification provided (evidence only). Condition: Thyroid cancer, nonmedullary, 1. Review status: no classification provided. Collection method: in vitro. Allele origin: not applicable. Functional consequence: retained intron. Not counted in ClinVar's aggregate classification.